The following is an entry in ClinVar:

ClinVar aggregate classification (germline): Uncertain significance (1 of 4 stars; one submission).

Conditions:
Hereditary cancer-predisposing syndrome. Also called: Neoplastic Syndromes, Hereditary; Tumor predisposition; Hereditary Cancer Syndrome; Hereditary neoplastic syndrome. Identifiers: Orphanet 140162, MedGen C0027672, MeSH D009386, MONDO:0015356.

gnomAD v4.1: 1 of 1,578,440 alleles (0.000063%); highest among the groups gnomAD compares: Non-Finnish European, 0.000086%; no homozygotes.

Submission:

Ambry Genetics
Classification: Uncertain significance for Hereditary cancer-predisposing syndrome. Last evaluated: 2026-03-25. Review status: criteria provided, single submitter. Criteria: Ambry Variant Classification Scheme 2023. Collection method: clinical testing. Allele origin: germline.
Comment: The c.4865-12G>A intronic variant results from a G to A substitution 12 nucleotides upstream from coding exon 34 in the SMARCA4 gene. This nucleotide position is poorly conserved in available vertebrate species. In silico splice site analysis predicts that this alteration will weaken the native splice acceptor site and will result in the creation or strengthening of a novel splice acceptor site. RNA studies have demonstrated that this variant results in a splice defect; the clinical impact of this abnormal splicing is unknown at this time (Ambry internal data). Based on the available evidence, the clinical significance of this variant remains unclear.

NM_003072.5(SMARCA4):c.4769-12G>A

Gene: SMARCA4 (SWI/SNF related BAF chromatin remodeling complex subunit ATPase 4; plus strand). Cytogenetic location: 19p13.2.
Variant type: single nucleotide variant.
Coding change: c.4769-12G>A on transcript NM_003072.5 (MANE Select); 12 bases into the intron before coding-DNA position 4769, G replaced by A.
Molecular consequence: intron variant.
Genome position (GRCh38, 1-based): chr19:11,060,033, G>A. VCF-style: chr19-11060033-G-A. GRCh37 (hg19) VCF-style: chr19-11170709-G-A.
Other names: c.4769-12G>A (NM_001128844.3); c.4865-12G>A (NM_001128849.3, NM_001387283.1); c.4670-12G>A (NM_001128847.4, NM_001374457.1); c.4766-12G>A (NM_001411150.1); c.4679-12G>A (NM_001128845.2); c.4676-12G>A (NM_001128846.2); c.4667-12G>A (NM_001128848.2).
Identifiers: ClinVar variation 4864746 (VCV004864746.1).